The following is an entry in ClinVar:

ClinVar aggregate classification (germline): Benign (1 of 4 stars; one submission).

Conditions:
Brachydactyly type A1. Also called: SHORT STATURE WITH NONSPECIFIC SKELETAL ABNORMALITIES 2; FARABEE-TYPE BRACHYDACTYLY. Identifiers: Orphanet 93388, MedGen C1862151, MONDO:0007215, OMIM 112500, HP:0009371.

Allele frequency attached by ClinVar (database versions not stated): gnomAD 0.00107 and 0.00105; 1000 Genomes Project 30x 0.00156; TOPMed 0.00128; 1000 Genomes Project 0.00160.

Submission:

Illumina Laboratory Services, Illumina
Classification: Benign for Brachydactyly type A1. Last evaluated: 2018-01-12. Review status: criteria provided, single submitter. Criteria: ICSL Variant Classification Criteria 13 December 2019. Collection method: clinical testing. Allele origin: germline.
Comment: This variant was observed in the ICSL laboratory as part of a predisposition screen in an ostensibly healthy population. It had not been previously curated by ICSL or reported in the Human Gene Mutation Database (HGMD: prior to June 1st, 2018), and was therefore a candidate for classification through an automated scoring system. Utilizing variant allele frequency, disease prevalence and penetrance estimates, and inheritance mode, an automated score was calculated to assess if this variant is too frequent to cause the disease. Based on the score and internal cut-off values, a variant classified as benign is not then subjected to further curation. The score for this variant resulted in a classification of benign for this disease.

NM_002181.3(IHH):c.*785C>T

Gene: IHH (Indian hedgehog signaling molecule; minus strand). Cytogenetic location: 2q35.
Variant type: single nucleotide variant.
Coding change: c.*785C>T on transcript NM_002181.3; 785 bases downstream of the stop codon, C replaced by T.
Genome position (GRCh38, 1-based): chr2:219,054,422, G>A on the plus strand (C>T on the coding strand, the complement: IHH is on the minus strand). VCF-style: chr2-219054422-G-A. GRCh37 (hg19) VCF-style: chr2-219919144-G-A.
Identifiers: ClinVar variation 334424 (VCV000334424.7), dbSNP rs566164413, ClinGen allele CA10612475.
Genomic context (GRCh38, chr2:219,054,422, plus strand): 5'-AAAACCCTGGACACAACCTTCCAGGGCTCCAAACTATCTGTGAGCATCCTGGACTCTGTG[G>A]CTCTAACAACTTAAATAATTTTTATTACAAAAGGAAGAAAAGACCAAAACATCCCCAAAA-3'